The following is an entry in ClinVar:

ClinVar aggregate classification (germline): Uncertain significance (1 of 4 stars; one submission).

Submission:

Labcorp Genetics (formerly Invitae), Labcorp
Classification: Uncertain significance. Last evaluated: 2025-07-16. Review status: criteria provided, single submitter. Criteria: Invitae Variant Classification Sherloc (09022015). Collection method: clinical testing. Allele origin: germline.
Comment: This sequence change replaces alanine, which is neutral and non-polar, with threonine, which is neutral and polar, at codon 35 of the WNT2B protein (p.Ala35Thr). This variant is not present in population databases (gnomAD no frequency). This variant has not been reported in the literature in individuals affected with WNT2B-related conditions. An algorithm developed to predict the effect of missense changes on protein structure and function (PolyPhen-2) suggests that this variant is likely to be tolerated. In summary, the available evidence is currently insufficient to determine the role of this variant in disease. Therefore, it has been classified as a Variant of Uncertain Significance.

NM_024494.3(WNT2B):c.103G>A (p.Ala35Thr)

Genes: WNT2B (Wnt family member 2B; plus strand), LOC122094899 (Sharpr-MPRA regulatory region 8072; plus strand). Cytogenetic location: 1p13.2.
Variant type: single nucleotide variant.
Coding change: c.103G>A on transcript NM_024494.3 (MANE Select); coding-DNA position 103, G replaced by A.
Protein change: p.Ala35Thr; replaces alanine 35 with threonine.
Molecular consequence: missense variant. On other transcripts: intron variant (2).
Genome position (GRCh38, 1-based): chr1:112,509,365, G>A. VCF-style: chr1-112509365-G-A. GRCh37 (hg19) VCF-style: chr1-113051987-G-A.
Other names: c.126-5509G>A (NM_004185.4); c.-94-5509G>A (NM_001291880.1); short protein forms A35T.
Identifiers: ClinVar variation 4759977 (VCV004759977.1).